The following is an entry in ClinVar:

NM_004752.4(GCM2):c.1504A>G (p.Asn502Asp)

Gene: GCM2 (glial cells missing transcription factor 2; minus strand). Cytogenetic location: 6p24.2.
Variant type: single nucleotide variant.
Coding change: c.1504A>G on transcript NM_004752.4 (MANE Select); coding-DNA position 1504, A replaced by G.
Protein change: p.Asn502Asp; replaces asparagine 502 with aspartic acid.
Molecular consequence: missense variant.
Genome position (GRCh38, 1-based): chr6:10,874,012, T>C on the plus strand (A>G on the coding strand, the complement: GCM2 is on the minus strand). VCF-style: chr6-10874012-T-C. GRCh37 (hg19) VCF-style: chr6-10874245-T-C.
Other names: short protein forms N502D.
Identifiers: ClinVar variation 372876 (VCV000372876.1), dbSNP rs533942394, ClinGen allele CA3633870.

ClinVar aggregate classification (germline): Likely pathogenic (1 of 4 stars; one submission).

gnomAD v4.1: 1 of 1,613,768 alleles (0.000062%); highest among the groups gnomAD compares: East Asian, 0.0022%; no homozygotes.

Submission:

GeneDx
Classification: Likely pathogenic. Last evaluated: 2016-01-18. Review status: criteria provided, single submitter. Criteria: GeneDx Variant Classification (06012015). Collection method: clinical testing. Allele origin: germline. Affected: yes.
Comment: The N502D variant in the GCM2 gene has not been reported previously as a pathogenic variant, noras a benign variant, to our knowledge. The N502D variant was not observed in approximately 6500individuals of European and African American ancestry in the NHLBI Exome Sequencing Project,indicating it is not a common benign variant in these populations. The N502D variant is asemi-conservative amino acid substitution, which may impact secondary protein structure as theseresidues differ in some properties. This substitution occurs at a position that is not conserved acrossspecies. In silico analysis predicts this variant likely does not alter the protein structure/function. Amissense variant in the same residue, N502H, was identified in a child with hypocalcemic seizures;functional studies demonstrated that the N502H variant had a dominant negative effect (Mirczuk etal., 2010). The N502D variant is a strong candidate for a pathogenic variant, however the possibilityit may be a rare benign variant cannot be excluded.